The following is an entry in ClinVar:

ClinVar aggregate classification (germline): Uncertain significance (1 of 4 stars; one submission).

Allele frequency attached by ClinVar (database versions not stated): gnomAD exomes 0.00003.
gnomAD v4.1: 27 of 1,209,284 alleles (0.0022%); highest among the groups gnomAD compares: Non-Finnish European, 0.0028%; no homozygotes.

Submission:

Labcorp Genetics (formerly Invitae), Labcorp
Classification: Uncertain significance. Last evaluated: 2023-07-30. Review status: criteria provided, single submitter. Criteria: Invitae Variant Classification Sherloc (09022015). Collection method: clinical testing. Allele origin: germline.
Comment: In summary, the available evidence is currently insufficient to determine the role of this variant in disease. Therefore, it has been classified as a Variant of Uncertain Significance. Advanced modeling of protein sequence and biophysical properties (such as structural, functional, and spatial information, amino acid conservation, physicochemical variation, residue mobility, and thermodynamic stability) performed at Invitae indicates that this missense variant is not expected to disrupt KMT2B protein function. This variant has not been reported in the literature in individuals affected with KMT2B-related conditions. This variant is not present in population databases (gnomAD no frequency). This sequence change replaces arginine, which is basic and polar, with histidine, which is basic and polar, at codon 81 of the KMT2B protein (p.Arg81His).

NM_014727.3(KMT2B):c.242G>A (p.Arg81His)

Gene: KMT2B (lysine methyltransferase 2B; plus strand). Cytogenetic location: 19q13.12.
Variant type: single nucleotide variant.
Coding change: c.242G>A on transcript NM_014727.3 (MANE Select); coding-DNA position 242, G replaced by A.
Protein change: p.Arg81His; replaces arginine 81 with histidine.
Molecular consequence: missense variant.
Genome position (GRCh38, 1-based): chr19:35,718,260, G>A. VCF-style: chr19-35718260-G-A. GRCh37 (hg19) VCF-style: chr19-36209162-G-A.
Other names: short protein forms R81H.
Identifiers: ClinVar variation 2887729 (VCV002887729.3), dbSNP rs2513306844, ClinGen allele CA405375287.